The following is an entry in ClinVar:

ClinVar aggregate classification (germline): Uncertain significance (1 of 4 stars; one submission).

Conditions:
Hereditary cancer-predisposing syndrome. Also called: Hereditary neoplastic syndrome; Neoplastic Syndromes, Hereditary; Tumor predisposition; Hereditary Cancer Syndrome. Identifiers: Orphanet 140162, MedGen C0027672, MeSH D009386, MONDO:0015356.

Submission:

Ambry Genetics
Classification: Uncertain significance for Hereditary cancer-predisposing syndrome. Last evaluated: 2022-01-18. Review status: criteria provided, single submitter. Criteria: Ambry Variant Classification Scheme 2023. Collection method: clinical testing. Allele origin: germline.
Comment: The p.S2134Y variant (also known as c.6401C>A), located in coding exon 43 of the ATM gene, results from a C to A substitution at nucleotide position 6401. The serine at codon 2134 is replaced by tyrosine, an amino acid with dissimilar properties. This amino acid position is conserved. In addition, the in silico prediction for this alteration is inconclusive. Since supporting evidence is limited at this time, the clinical significance of this alteration remains unclear.

NM_000051.4(ATM):c.6401C>A (p.Ser2134Tyr)

Genes: ATM (ATM serine/threonine kinase; plus strand), C11orf65 (chromosome 11 open reading frame 65; minus strand). Cytogenetic location: 11q22.3.
Variant type: single nucleotide variant.
Coding change: c.6401C>A on transcript NM_000051.4 (MANE Select); coding-DNA position 6401, C replaced by A.
Protein change: p.Ser2134Tyr; replaces serine 2134 with tyrosine.
Molecular consequence: missense variant. On other transcripts: intron variant (2).
Genome position (GRCh38, 1-based): chr11:108,320,007, C>A. VCF-style: chr11-108320007-C-A. GRCh37 (hg19) VCF-style: chr11-108190734-C-A.
Other names: c.6401C>A, p.Ser2134Tyr (NM_001351834.2); c.641-10936G>T (NM_001330368.2); c.*39-10936G>T (NM_001351110.2); short protein forms S2134Y.
Identifiers: ClinVar variation 1753341 (VCV001753341.2), dbSNP rs2136220770, ClinGen allele CA382553381.